The following is an entry in ClinVar:

ClinVar aggregate classification (germline): Uncertain significance. Review status: criteria provided, multiple submitters, no conflicts (2 of 4 stars). 2 submissions from 2 submitters: Uncertain significance (2). Last evaluated 2023-09-25.

Conditions:
Mitochondrial complex II deficiency, nuclear type 1. Also called: SUCCINATE CoQ REDUCTASE DEFICIENCY. Identifiers: Orphanet 3208, MedGen C5700310, MONDO:0100294, OMIM 252011.
Pheochromocytoma/paraganglioma syndrome 5. Also called: Paragangliomas 5; SDHA-Related Hereditary Paraganglioma-Pheochromocytoma Syndrome. Identifiers: Orphanet 29072, MedGen C3279992, MONDO:0013602, OMIM 614165.
Hereditary cancer-predisposing syndrome. Also called: Neoplastic Syndromes, Hereditary; Tumor predisposition; Hereditary Cancer Syndrome; Hereditary neoplastic syndrome. Identifiers: Orphanet 140162, MedGen C0027672, MeSH D009386, MONDO:0015356.

Submissions (2):

Ambry Genetics
Classification: Uncertain significance for Hereditary cancer-predisposing syndrome. Last evaluated: 2023-09-25. Review status: criteria provided, single submitter. Criteria: Ambry Variant Classification Scheme 2023. Collection method: clinical testing. Allele origin: germline.
Comment: The p.D194N variant (also known as c.580G>A), located in coding exon 5 of the SDHA gene, results from a G to A substitution at nucleotide position 580. The aspartic acid at codon 194 is replaced by asparagine, an amino acid with highly similar properties. This amino acid position is highly conserved in available vertebrate species. In addition, the in silico prediction for this alteration is inconclusive. Since supporting evidence is limited at this time, the clinical significance of this alteration remains unclear.

Labcorp Genetics (formerly Invitae), Labcorp
Classification: Uncertain significance for Pheochromocytoma/paraganglioma syndrome 5; Mitochondrial complex II deficiency, nuclear type 1. Last evaluated: 2023-09-12. Review status: criteria provided, single submitter. Criteria: Invitae Variant Classification Sherloc (09022015). Collection method: clinical testing. Allele origin: germline.
Comment: This variant has not been reported in the literature in individuals affected with SDHA-related conditions. In summary, the available evidence is currently insufficient to determine the role of this variant in disease. Therefore, it has been classified as a Variant of Uncertain Significance. Advanced modeling of protein sequence and biophysical properties (such as structural, functional, and spatial information, amino acid conservation, physicochemical variation, residue mobility, and thermodynamic stability) has been performed at Invitae for this missense variant, however the output from this modeling did not meet the statistical confidence thresholds required to predict the impact of this variant on SDHA protein function. This variant is not present in population databases (gnomAD no frequency). This sequence change replaces aspartic acid, which is acidic and polar, with asparagine, which is neutral and polar, at codon 194 of the SDHA protein (p.Asp194Asn).

NM_004168.4(SDHA):c.580G>A (p.Asp194Asn)

Gene: SDHA (succinate dehydrogenase complex flavoprotein subunit A; plus strand). Cytogenetic location: 5p15.33.
Variant type: single nucleotide variant.
Coding change: c.580G>A on transcript NM_004168.4 (MANE Select); coding-DNA position 580, G replaced by A.
Protein change: p.Asp194Asn; replaces aspartic acid 194 with asparagine.
Molecular consequence: missense variant.
Genome position (GRCh38, 1-based): chr5:226,006, G>A. VCF-style: chr5-226006-G-A. GRCh37 (hg19) VCF-style: chr5-226121-G-A.
Other names: c.580G>A (NM_004168.2); c.436G>A, p.Asp146Asn (NM_001294332.2); c.580G>A, p.Asp194Asn (NM_001330758.2); short protein forms D194N, D146N.
Identifiers: ClinVar variation 2951864 (VCV002951864.4), dbSNP rs2126550276, ClinGen allele CA359010532.
Genomic context (GRCh38, chr5:226,006, plus strand): 5'-GGTGGACAGAGCCTCAAGTTTGGAAAGGGCGGGCAGGCCCATCGGTGCTGCTGTGTGGCT[G>A]ATCGGACTGGCCACTCGCTATTGCACACCTTATATGGAAGGGTAAGGCCGCCCCCGTCCA-3'
Protein context (NP_004159.2, residues 184-204): GQAHRCCCVA[Asp194Asn]RTGHSLLHTL